The following is an entry in ClinVar:

NM_000302.4(PLOD1):c.217G>T (p.Gly73Cys)

Gene: PLOD1 (procollagen-lysine,2-oxoglutarate 5-dioxygenase 1; plus strand). Cytogenetic location: 1p36.22.
Variant type: single nucleotide variant.
Coding change: c.217G>T on transcript NM_000302.4 (MANE Select); coding-DNA position 217, G replaced by T.
Protein change: p.Gly73Cys; replaces glycine 73 with cysteine.
Molecular consequence: missense variant.
Genome position (GRCh38, 1-based): chr1:11,949,821, G>T. VCF-style: chr1-11949821-G-T. GRCh37 (hg19) VCF-style: chr1-12009878-G-T.
Other names: c.358G>T, p.Gly120Cys (NM_001316320.2); short protein forms G120C, G73C.
Identifiers: ClinVar variation 5026858 (VCV005026858.1).

ClinVar aggregate classification (germline): Uncertain significance (1 of 4 stars; one submission).

Conditions:
Familial thoracic aortic aneurysm and aortic dissection (TAAD). Also called: Thoracic aortic aneurysms and dissections. Identifiers: Orphanet 91387, MedGen C4707243, MONDO:0019625.

gnomAD v4.1: 14 of 1,614,096 alleles (0.00087%); highest among the groups gnomAD compares: Non-Finnish European, 0.001%; no homozygotes.

Submission:

Ambry Genetics
Classification: Uncertain significance for Familial thoracic aortic aneurysm and aortic dissection. Last evaluated: 2026-09-14. Review status: criteria provided, single submitter. Criteria: Ambry Variant Classification Scheme 2023. Collection method: clinical testing. Allele origin: germline.
Comment: The p.G73C variant (also known as c.217G>T), located in coding exon 3 of the PLOD1 gene, results from a G to T substitution at nucleotide position 217. The glycine at codon 73 is replaced by cysteine, an amino acid with highly dissimilar properties. This amino acid position is conserved. In addition, this alteration is predicted to be deleterious by in silico analysis. Based on the available evidence, the clinical significance of this variant remains unclear.